The following is an entry in ClinVar:

NM_138387.4(G6PC3):c.206T>G (p.Leu69Arg)

Genes: G6PC3 (glucose-6-phosphatase catalytic subunit 3; plus strand), LOC130060959 (ATAC-STARR-seq lymphoblastoid active region 12250; plus strand). Cytogenetic location: 17q21.31.
Variant type: single nucleotide variant.
Coding change: c.206T>G on transcript NM_138387.4 (MANE Select); coding-DNA position 206, T replaced by G.
Protein change: p.Leu69Arg; replaces leucine 69 with arginine.
Molecular consequence: missense variant. On other transcripts: 5 prime UTR variant (3), intron variant (1).
Genome position (GRCh38, 1-based): chr17:44,071,171, T>G. VCF-style: chr17-44071171-T-G. GRCh37 (hg19) VCF-style: chr17-42148539-T-G.
Other names: c.206T>G, p.Leu69Arg (NM_001319945.2); c.-199T>G (NM_001384165.1); c.-334T>G (NM_001384166.1); c.-324T>G (NM_001384167.1); c.-312+457T>G (NM_001384168.1); short protein forms L69R.
Identifiers: ClinVar variation 5022101 (VCV005022101.1).

ClinVar aggregate classification (germline): Uncertain significance (1 of 4 stars; one submission).

Conditions:
Inborn genetic diseases. Identifiers: MedGen C0950123, MeSH D030342.

Submission:

Ambry Genetics
Classification: Uncertain significance for Inborn genetic diseases. Last evaluated: 2026-08-20. Review status: criteria provided, single submitter. Criteria: Ambry Variant Classification Scheme 2023. Collection method: clinical testing. Allele origin: germline.
Comment: The p.L69R variant (also known as c.206T>G), located in coding exon 1 of the G6PC3 gene, results from a T to G substitution at nucleotide position 206. The leucine at codon 69 is replaced by arginine, an amino acid with dissimilar properties. This amino acid position is conserved. In addition, this alteration is predicted to be deleterious by in silico analysis. Based on the available evidence, the clinical significance of this variant remains unclear.